The following is an entry in ClinVar:

NM_012268.4(PLD3):c.1450G>C (p.Gly484Arg)

Gene: PLD3 (phospholipase D family member 3; plus strand). Cytogenetic location: 19q13.2.
Variant type: single nucleotide variant.
Coding change: c.1450G>C on transcript NM_012268.4 (MANE Select); coding-DNA position 1450, G replaced by C.
Protein change: p.Gly484Arg; replaces glycine 484 with arginine.
Molecular consequence: missense variant.
Genome position (GRCh38, 1-based): chr19:40,378,150, G>C. VCF-style: chr19-40378150-G-C. GRCh37 (hg19) VCF-style: chr19-40884057-G-C.
Other names: c.1450G>C, p.Gly484Arg (NM_001031696.4, NM_001291311.2); short protein forms G484R.
Identifiers: ClinVar variation 2824360 (VCV002824360.3), dbSNP rs752516689, ClinGen allele CA405877755.

ClinVar aggregate classification (germline): Uncertain significance (1 of 4 stars; one submission).

Submission:

Labcorp Genetics (formerly Invitae), Labcorp
Classification: Uncertain significance. Last evaluated: 2023-01-16. Review status: criteria provided, single submitter. Criteria: Invitae Variant Classification Sherloc (09022015). Collection method: clinical testing. Allele origin: germline.
Comment: This variant is not present in population databases (gnomAD no frequency). This sequence change replaces glycine, which is neutral and non-polar, with arginine, which is basic and polar, at codon 484 of the PLD3 protein (p.Gly484Arg). This variant has not been reported in the literature in individuals affected with PLD3-related conditions. Algorithms developed to predict the effect of missense changes on protein structure and function (SIFT, PolyPhen-2, Align-GVGD) all suggest that this variant is likely to be tolerated. In summary, the available evidence is currently insufficient to determine the role of this variant in disease. Therefore, it has been classified as a Variant of Uncertain Significance.